The following is an entry in ClinVar:

NM_024426.6(WT1):c.231C>G (p.Asp77Glu)

Genes: WT1 (WT1 transcription factor; minus strand), LOC107982234 (WT1/WT1-AS bi-directional promoter region; plus strand). Cytogenetic location: 11p13.
Variant type: single nucleotide variant.
Coding change: c.231C>G on transcript NM_024426.6 (MANE Select); coding-DNA position 231, C replaced by G.
Protein change: p.Asp77Glu; replaces aspartic acid 77 with glutamic acid.
Molecular consequence: missense variant. On other transcripts: non-coding transcript variant (2).
Genome position (GRCh38, 1-based): chr11:32,435,130, G>C on the plus strand (C>G on the coding strand, the complement: WT1 is on the minus strand). VCF-style: chr11-32435130-G-C. GRCh37 (hg19) VCF-style: chr11-32456676-G-C.
Other names: c.231C>G, p.Asp77Glu (NM_000378.6, NM_001407044.1, NM_001407045.1 and 6 more transcripts); c.12C>G, p.Asp4Glu (NM_001429031.1, NM_001429032.1, NM_001429033.1 and 1 more transcripts); short protein forms D4E, D72E, D77E.
Identifiers: ClinVar variation 4866805 (VCV004866805.1).
Genomic context (GRCh38, chr11:32,435,130, plus strand): 5'-ACAGCCGCCGCCGCCACCCAGGGAGGGGACGGCGGGCAGCAGCGCGTTCAGGTCCCGCAC[G>C]TCGGAGCCCATTTGCTGCGGCTCAGACCCGGACGCCCCGCGGCTCCTCCGGCCCTGGAGA-3'
Protein context (NP_077744.4, residues 67-87): SGSEPQQMGS[Asp77Glu]VRDLNALLPA

ClinVar aggregate classification (germline): Uncertain significance (1 of 4 stars; one submission).

Conditions:
Inborn genetic diseases. Identifiers: MedGen C0950123, MeSH D030342.

Submission:

Ambry Genetics
Classification: Uncertain significance for Inborn genetic diseases. Last evaluated: 2026-04-28. Review status: criteria provided, single submitter. Criteria: Ambry Variant Classification Scheme 2023. Collection method: clinical testing. Allele origin: germline.
Comment: The p.D72E variant (also known as c.216C>G), located in coding exon 1 of the WT1 gene, results from a C to G substitution at nucleotide position 216. The aspartic acid at codon 72 is replaced by glutamic acid, an amino acid with highly similar properties. This amino acid position is conserved. In addition, this alteration is predicted to be tolerated by in silico analysis. Based on the available evidence, the clinical significance of this variant remains unclear.